The following is an entry in ClinVar:

ClinVar aggregate classification (germline): Uncertain significance (1 of 4 stars; one submission).

Conditions:
POLE-related disorder. Also called: POLE-related disorders; POLE-related condition.

Submission:

PreventionGenetics, part of Exact Sciences
Classification: Uncertain significance for POLE-related condition. Last evaluated: 2025-04-18. Review status: criteria provided, single submitter. Criteria: ACMG Guidelines, 2015. Collection method: clinical testing. Allele origin: germline.
Comment: The POLE c.5161T>A variant is predicted to result in the amino acid substitution p.Cys1721Ser. To our knowledge, this variant has not been reported in the literature or in a large population database (gnomAD), indicating this variant is rare. At this time, the clinical significance of this variant is uncertain due to the absence of conclusive functional and genetic evidence.

NM_006231.4(POLE):c.5161T>A (p.Cys1721Ser)

Gene: POLE (DNA polymerase epsilon, catalytic subunit; minus strand). Cytogenetic location: 12q24.33.
Variant type: single nucleotide variant.
Coding change: c.5161T>A on transcript NM_006231.4 (MANE Select); coding-DNA position 5161, T replaced by A.
Protein change: p.Cys1721Ser; replaces cysteine 1721 with serine.
Molecular consequence: missense variant.
Genome position (GRCh38, 1-based): chr12:132,642,189, A>T on the plus strand (T>A on the coding strand, the complement: POLE is on the minus strand). VCF-style: chr12-132642189-A-T. GRCh37 (hg19) VCF-style: chr12-133218775-A-T.
Other names: short protein forms C1721S.
Identifiers: ClinVar variation 5001015 (VCV005001015.1).